The following is an entry in ClinVar:

NM_194248.3(OTOF):c.3864G>C (p.Ala1288=)

Gene: OTOF (otoferlin; minus strand). Cytogenetic location: 2p23.3.
Variant type: single nucleotide variant.
Coding change: c.3864G>C on transcript NM_194248.3 (MANE Select); coding-DNA position 3864, G replaced by C.
Protein change: p.Ala1288=; no amino-acid change (alanine 1288 retained).
Molecular consequence: synonymous variant.
Genome position (GRCh38, 1-based): chr2:26,472,519, C>G on the plus strand (G>C on the coding strand, the complement: OTOF is on the minus strand). VCF-style: chr2-26472519-C-G. GRCh37 (hg19) VCF-style: chr2-26695387-C-G.
Other names: c.3864G>C, p.Ala1288= (NM_001287489.2); c.1563G>C, p.Ala521= (NM_004802.4, NM_194323.3); c.1794G>C, p.Ala598= (NM_194322.3).
Identifiers: ClinVar variation 4688570 (VCV004688570.1).

ClinVar aggregate classification (germline): Uncertain significance (1 of 4 stars; one submission).

gnomAD v4.1: 1 of 1,613,512 alleles (0.000062%); highest among the groups gnomAD compares: Non-Finnish European, 0.000085%; no homozygotes.

Submission:

Women's Health and Genetics/Laboratory Corporation of America, LabCorp
Classification: Uncertain significance. Last evaluated: 2025-12-04. Review status: criteria provided, single submitter. Criteria: LabCorp Variant Classification Summary - May 2015. Collection method: clinical testing. Allele origin: germline.
Comment: Variant summary: OTOF c.3864G>C (p.Ala1288Ala) alters a conserved nucleotide located close to a canonical splice site and therefore could affect mRNA splicing, leading to a significantly altered protein sequence. Several computational tools predict a significant impact on normal splicing: One predicts the variant abolishes a 5' splicing donor site. Three predict the variant weakens a 5' donor site. However, these predictions have yet to be confirmed by functional studies. The variant was absent in 251086 control chromosomes (gnomAD). The available data on variant occurrences in the general population are insufficient to allow any conclusion about variant significance. To our knowledge, no occurrence of c.3864G>C in individuals affected with OTOF-related conditions and no experimental evidence demonstrating its impact on protein function have been reported. No submitters have cited clinical-significance assessments for this variant to ClinVar. Based on the evidence outlined above, the variant was classified as uncertain significance.